The following is an entry in ClinVar:

NM_181552.4(CUX1):c.3198G>A (p.Ser1066=)

Gene: CUX1 (cut like homeobox 1; plus strand). Cytogenetic location: 7q22.1.
Variant type: single nucleotide variant.
Coding change: c.3198G>A on transcript NM_181552.4 (MANE Select); coding-DNA position 3198, G replaced by A.
Protein change: p.Ser1066=; no amino-acid change (serine 1066 retained).
Molecular consequence: synonymous variant. On other transcripts: intron variant (5).
Genome position (GRCh38, 1-based): chr7:102,227,434, G>A. VCF-style: chr7-102227434-G-A. GRCh37 (hg19) VCF-style: chr7-101870714-G-A.
Other names: c.3231G>A, p.Ser1077= (NM_001202543.2); c.1255+31831G>A (NM_001913.5); c.1249+31831G>A (NM_181500.4); c.1117+31831G>A (NM_001202545.3); c.1207+31831G>A (NM_001202544.3); c.1138+31831G>A (NM_001202546.3).
Identifiers: ClinVar variation 741987 (VCV000741987.44), dbSNP rs145550989, ClinGen allele CA4411283.

ClinVar aggregate classification (germline): Benign. Review status: criteria provided, multiple submitters, no conflicts (2 of 4 stars). 2 submissions from 2 submitters: Benign (2). Last evaluated 2022-07-01.

Allele frequency attached by ClinVar (database versions not stated): gnomAD 0.00014 and 0.00032; TOPMed 0.00019; gnomAD exomes 0.00045 and 0.00078; 1000 Genomes Project 0.00080; ExAC 0.00085; 1000 Genomes Project 30x 0.00109.
gnomAD v4.1: 708 of 1,613,976 alleles (0.044%); highest among the groups gnomAD compares: South Asian, 0.59%; 6 homozygotes.

Submissions (2):

CeGaT Center for Human Genetics Tuebingen
Classification: Benign. Last evaluated: 2022-07-01. Review status: criteria provided, single submitter. Criteria: CeGaT Center For Human Genetics Tuebingen Variant Classification Criteria Version 2. Collection method: clinical testing. Allele origin: germline. Affected: yes. Observed: 4 variant alleles.
Comment: CUX1: BS1, BS2

Labcorp Genetics (formerly Invitae), Labcorp
Classification: Benign. Last evaluated: 2018-07-10. Review status: criteria provided, single submitter. Criteria: Invitae Variant Classification Sherloc (09022015). Collection method: clinical testing. Allele origin: germline.